The following is an entry in ClinVar:

NM_001042432.2(CLN3):c.236C>T (p.Pro79Leu)

Gene: CLN3 (CLN3 lysosomal/endosomal transmembrane protein, battenin; minus strand). Cytogenetic location: 16p12.1.
Variant type: single nucleotide variant.
Coding change: c.236C>T on transcript NM_001042432.2 (MANE Select); coding-DNA position 236, C replaced by T.
Protein change: p.Pro79Leu; replaces proline 79 with leucine.
Molecular consequence: missense variant. On other transcripts: nonsense (1), intron variant (2).
Genome position (GRCh38, 1-based): chr16:28,488,649, G>A on the plus strand (C>T on the coding strand, the complement: CLN3 is on the minus strand). VCF-style: chr16-28488649-G-A. GRCh37 (hg19) VCF-style: chr16-28499970-G-A.
Other names: c.236C>T, p.Pro79Leu (NM_000086.2); c.16C>T, p.Gln6Ter (NM_001286105.2); c.74C>T, p.Pro25Leu (NM_001286110.2); c.60+641C>T (NM_001286109.2); c.222+641C>T (NM_001286104.2); short protein forms Q6*, P25L, P79L.
Identifiers: ClinVar variation 640841 (VCV000640841.4), dbSNP rs1596564333, ClinGen allele CA395346327.

ClinVar aggregate classification (germline): Uncertain significance (1 of 4 stars; one submission).

Conditions:
Neuronal ceroid lipofuscinosis. Also called: Neuronal Ceroid Lipofuscinoses. Identifiers: Orphanet 216, Orphanet 79263, MedGen C0027877, MONDO:0016295. Disease mechanism: loss of function.

Submission:

Labcorp Genetics (formerly Invitae), Labcorp
Classification: Uncertain significance for Neuronal ceroid lipofuscinosis. Last evaluated: 2022-02-20. Review status: criteria provided, single submitter. Criteria: Invitae Variant Classification Sherloc (09022015). Collection method: clinical testing. Allele origin: germline.
Comment: This sequence change replaces proline, which is neutral and non-polar, with leucine, which is neutral and non-polar, at codon 79 of the CLN3 protein (p.Pro79Leu). This variant is not present in population databases (gnomAD no frequency). This variant has not been reported in the literature in individuals affected with CLN3-related conditions. ClinVar contains an entry for this variant (Variation ID: 640841). Algorithms developed to predict the effect of missense changes on protein structure and function are either unavailable or do not agree on the potential impact of this missense change (SIFT: "Tolerated"; PolyPhen-2: "Probably Damaging"; Align-GVGD: "Class C0"). In summary, the available evidence is currently insufficient to determine the role of this variant in disease. Therefore, it has been classified as a Variant of Uncertain Significance.